The following is an entry in ClinVar:

ClinVar aggregate classification (germline): Uncertain significance. Review status: criteria provided, multiple submitters, no conflicts (2 of 4 stars). 2 submissions from 2 submitters: Uncertain significance (2). Last evaluated 2025-06-16.

Conditions:
Colorectal cancer, susceptibility to, 1. Also called: COLORECTAL ADENOMA AND CANCER, SUSCEPTIBILITY TO; COLORECTAL CANCER, SUSCEPTIBILITY TO, ON CHROMOSOME 9. Identifiers: MedGen C1837315, MONDO:0012132, OMIM 608812.

Submissions (2):

Ambry Genetics
Classification: Uncertain significance. Last evaluated: 2025-06-16. Review status: criteria provided, single submitter. Criteria: Ambry Variant Classification Scheme 2023. Collection method: clinical testing. Allele origin: germline.
Comment: The p.P123R variant (also known as c.368C>G), located in coding exon 1 of the GALNT12 gene, results from a C to G substitution at nucleotide position 368. The proline at codon 123 is replaced by arginine, an amino acid with dissimilar properties. This amino acid position is conserved. In addition, this alteration is predicted to be tolerated by in silico analysis. Based on the available evidence, the clinical significance of this variant remains unclear.

Baylor Genetics
Classification: Uncertain significance for Colorectal cancer, susceptibility to, 1. Last evaluated: 2024-03-25. Review status: criteria provided, single submitter. Criteria: ACMG Guidelines, 2015. Collection method: clinical testing. Allele origin: unknown.

NM_024642.5(GALNT12):c.368C>G (p.Pro123Arg)

Gene: GALNT12 (polypeptide N-acetylgalactosaminyltransferase 12; plus strand). Cytogenetic location: 9q22.33.
Variant type: single nucleotide variant.
Coding change: c.368C>G on transcript NM_024642.5 (MANE Select); coding-DNA position 368, C replaced by G.
Protein change: p.Pro123Arg; replaces proline 123 with arginine.
Molecular consequence: missense variant.
Genome position (GRCh38, 1-based): chr9:98,808,066, C>G. VCF-style: chr9-98808066-C-G. GRCh37 (hg19) VCF-style: chr9-101570348-C-G.
Other names: c.368C>G (NM_024642.4); short protein forms P123R.
Identifiers: ClinVar variation 3241662 (VCV003241662.2), dbSNP rs752549319.
Genomic context (GRCh38, chr9:98,808,066, plus strand): 5'-TTAACATCTACCTCAGCGACCGCATCTCACTGCACCGCCGCCTGCCCGAGCGCTGGAACC[C>G]GCTGTGAGTGCACAGCTCTGGGGAGGAAGCCCGCCCTCAGAGCCCCGGGCCTCAGTTTCT-3'
Protein context (NP_078918.3, residues 113-133): LHRRLPERWN[Pro123Arg]LCKEKKYDYD